The following is an entry in ClinVar:

NM_022552.5(DNMT3A):c.2405A>T (p.Asn802Ile)

Gene: DNMT3A (DNA methyltransferase 3 alpha; minus strand). Cytogenetic location: 2p23.3.
Variant type: single nucleotide variant.
Coding change: c.2405A>T on transcript NM_022552.5 (MANE Select); coding-DNA position 2405, A replaced by T.
Protein change: p.Asn802Ile; replaces asparagine 802 with isoleucine.
Molecular consequence: missense variant. On other transcripts: non-coding transcript variant (1).
Genome position (GRCh38, 1-based): chr2:25,239,133, T>A on the plus strand (A>T on the coding strand, the complement: DNMT3A is on the minus strand). VCF-style: chr2-25239133-T-A. GRCh37 (hg19) VCF-style: chr2-25462002-T-A.
Other names: c.1949A>T, p.Asn650Ile (NM_001320893.1); c.1736A>T, p.Asn579Ile (NM_001375819.1); c.1838A>T, p.Asn613Ile (NM_153759.3); c.2405A>T, p.Asn802Ile (NM_175629.2); short protein forms N579I, N613I, N650I, N802I.
Identifiers: ClinVar variation 4870040 (VCV004870040.1).

ClinVar aggregate classification (germline): Uncertain significance (1 of 4 stars; one submission).

Conditions:
Inborn genetic diseases. Identifiers: MedGen C0950123, MeSH D030342.

Submission:

Ambry Genetics
Classification: Uncertain significance for Inborn genetic diseases. Last evaluated: 2026-05-21. Review status: criteria provided, single submitter. Criteria: Ambry Variant Classification Scheme 2023. Collection method: clinical testing. Allele origin: germline.
Comment: The p.N802I variant (also known as c.2405A>T), located in coding exon 19 of the DNMT3A gene, results from an A to T substitution at nucleotide position 2405. The asparagine at codon 802 is replaced by isoleucine, an amino acid with dissimilar properties. This amino acid position is conserved. In addition, this alteration is predicted to be deleterious by in silico analysis. Based on the available evidence, the clinical significance of this variant remains unclear.